The following is an entry in ClinVar:

ClinVar aggregate classification (germline): Uncertain significance (1 of 4 stars; one submission).

Submission:

GeneDx
Classification: Uncertain significance. Last evaluated: 2022-02-19. Review status: criteria provided, single submitter. Criteria: GeneDx Variant Classification Process June 2021. Collection method: clinical testing. Allele origin: germline. Affected: yes.
Comment: Not observed at significant frequency in large population cohorts (gnomAD); In silico analysis supports that this missense variant does not alter protein structure/function; Has not been previously published as pathogenic or benign to our knowledge

NM_001378418.1(TCF20):c.3995C>A (p.Thr1332Asn)

Gene: TCF20 (transcription factor 20; minus strand). Cytogenetic location: 22q13.2.
Variant type: single nucleotide variant.
Coding change: c.3995C>A on transcript NM_001378418.1 (MANE Select); coding-DNA position 3995, C replaced by A.
Protein change: p.Thr1332Asn; replaces threonine 1332 with asparagine.
Molecular consequence: missense variant.
Genome position (GRCh38, 1-based): chr22:42,211,311, G>T on the plus strand (C>A on the coding strand, the complement: TCF20 is on the minus strand). VCF-style: chr22-42211311-G-T. GRCh37 (hg19) VCF-style: chr22-42607317-G-T.
Other names: c.3995C>A, p.Thr1332Asn (NM_005650.4, NM_181492.3); short protein forms T1332N.
Identifiers: ClinVar variation 1702567 (VCV001702567.2), dbSNP rs1920955579, ClinGen allele CA411785268.
Genomic context (GRCh38, chr22:42,211,311, plus strand): 5'-AATTTCAATCCCCGTCCTTTCCGTGGGGGCAGTATTTTGGTCTTAGCAGGGCTTGTGAGG[G>T]TAACAGCAGGGCAGTTTCTACTATCTGGACTTGGAAGGTCCTTGGAGGAATCTCTCTTAG-3'
Protein context (NP_001365347.1, residues 1322-1342): SPDSRNCPAV[Thr1332Asn]LTSPAKTKIL